The following is an entry in ClinVar:

ClinVar aggregate classification (germline): Uncertain significance (1 of 4 stars; one submission).

Conditions:
Hereditary cancer-predisposing syndrome. Also called: Hereditary neoplastic syndrome; Neoplastic Syndromes, Hereditary; Tumor predisposition; Hereditary Cancer Syndrome. Identifiers: Orphanet 140162, MedGen C0027672, MeSH D009386, MONDO:0015356.

Submission:

Ambry Genetics
Classification: Uncertain significance for Hereditary cancer-predisposing syndrome. Last evaluated: 2025-08-27. Review status: criteria provided, single submitter. Criteria: Ambry Variant Classification Scheme 2023. Collection method: clinical testing. Allele origin: germline.
Comment: The p.A69G variant (also known as c.206C>G), located in coding exon 3 of the MUTYH gene, results from a C to G substitution at nucleotide position 206. The alanine at codon 69 is replaced by glycine, an amino acid with similar properties. This amino acid position is conserved. In addition, this alteration is predicted to be tolerated by in silico analysis. Based on the available evidence, the clinical significance of this variant remains unclear.

NM_001048174.2(MUTYH):c.122C>G (p.Ala41Gly)

Gene: MUTYH (mutY DNA glycosylase; minus strand). Cytogenetic location: 1p34.1.
Variant type: single nucleotide variant.
Coding change: c.122C>G on transcript NM_001048174.2 (MANE Select); coding-DNA position 122, C replaced by G.
Protein change: p.Ala41Gly; replaces alanine 41 with glycine.
Molecular consequence: missense variant. On other transcripts: non-coding transcript variant (5), intron variant (5), 5 prime UTR variant (1).
Genome position (GRCh38, 1-based): chr1:45,333,555, G>C on the plus strand (C>G on the coding strand, the complement: MUTYH is on the minus strand). VCF-style: chr1-45333555-G-C. GRCh37 (hg19) VCF-style: chr1-45799227-G-C.
Other names: c.122C>G, p.Ala41Gly (NM_001407088.1, NM_001407089.1, NM_001048171.2 and 6 more transcripts); c.197C>G, p.Ala66Gly (NM_012222.3, NM_001407069.1); c.-92-58C>G (NM_001350651.2, NM_001407082.1); c.-97-58C>G (NM_001293192.2, NM_001293196.2, NM_001407091.1); c.125C>G, p.Ala42Gly (NM_001048172.2, NM_001407071.1, NM_001407078.1 and 2 more transcripts); c.206C>G, p.Ala69Gly (NM_001128425.2); c.167C>G, p.Ala56Gly (NM_001293190.2); c.155C>G, p.Ala52Gly (NM_001293191.2, NM_001407077.1); and 4 more; short protein forms A42G, A56G, A41G, A55G, A66G, A13G, A48G, A52G.
Identifiers: ClinVar variation 4113498 (VCV004113498.1).